The following is an entry in ClinVar:

NM_018723.4(RBFOX1):c.320C>T (p.Ser107Phe)

Genes: RBFOX1 (RNA binding fox-1 homolog 1; plus strand), LOC126862278 (CDK7 strongly-dependent group 2 enhancer GRCh37_chr16:7629446-7630645; plus strand). Cytogenetic location: 16p13.3.
Variant type: single nucleotide variant.
Coding change: c.320C>T on transcript NM_018723.4 (MANE Select); coding-DNA position 320, C replaced by T.
Protein change: p.Ser107Phe; replaces serine 107 with phenylalanine.
Molecular consequence: missense variant.
Genome position (GRCh38, 1-based): chr16:7,579,826, C>T. VCF-style: chr16-7579826-C-T. GRCh37 (hg19) VCF-style: chr16-7629828-C-T.
Other names: c.320C>T, p.Ser107Phe (NM_001142333.2, NM_001142334.2, NM_001364800.2); c.449C>T, p.Ser150Phe (NM_001308117.1); c.380C>T, p.Ser127Phe (NM_145891.3, NM_145892.3, NM_145893.3); short protein forms S150F, S107F, S127F.
Identifiers: ClinVar variation 841306 (VCV000841306.9), dbSNP rs201282652, ClinGen allele CA7891449.

ClinVar aggregate classification (germline): Uncertain significance. Review status: criteria provided, multiple submitters, no conflicts (2 of 4 stars). 2 submissions from 2 submitters: Uncertain significance (2). Last evaluated 2025-08-02.

Conditions:
Inborn genetic diseases. Identifiers: MedGen C0950123, MeSH D030342.
Idiopathic generalized epilepsy. Also called: EIG; Generalised epilepsy. Identifiers: MedGen C0270850, MONDO:0005579, OMIM 600669.

Allele frequency attached by ClinVar (database versions not stated): ESP Exome Variant Server 0.00015; 1000 Genomes Project 30x 0.00016; 1000 Genomes Project 0.00020; gnomAD 0.00025 and 0.00026; TOPMed 0.00026.
gnomAD v4.1: 364 of 1,614,084 alleles (0.023%); highest among the groups gnomAD compares: Admixed American, 0.032%; no homozygotes.

Submissions (2):

Labcorp Genetics (formerly Invitae), Labcorp
Classification: Uncertain significance for Idiopathic generalized epilepsy. Last evaluated: 2025-08-02. Review status: criteria provided, single submitter. Criteria: Invitae Variant Classification Sherloc (09022015). Collection method: clinical testing. Allele origin: germline.
Comment: This sequence change replaces serine, which is neutral and polar, with phenylalanine, which is neutral and non-polar, at codon 127 of the RBFOX1 protein (p.Ser127Phe). This variant is present in population databases (rs201282652, gnomAD 0.05%). This variant has not been reported in the literature in individuals affected with RBFOX1-related conditions. ClinVar contains an entry for this variant (Variation ID: 841306). Invitae Evidence Modeling of protein sequence and biophysical properties (such as structural, functional, and spatial information, amino acid conservation, physicochemical variation, residue mobility, and thermodynamic stability) indicates that this missense variant is not expected to disrupt RBFOX1 protein function with a negative predictive value of 80%. In summary, the available evidence is currently insufficient to determine the role of this variant in disease. Therefore, it has been classified as a Variant of Uncertain Significance.

Ambry Genetics
Classification: Uncertain significance for Inborn genetic diseases. Last evaluated: 2023-11-13. Review status: criteria provided, single submitter. Criteria: Ambry Variant Classification Scheme 2023. Collection method: clinical testing. Allele origin: germline.